The following is an entry in ClinVar:

NM_138572.3(TAF8):c.595G>A (p.Glu199Lys)

Gene: TAF8 (TATA-box binding protein associated factor 8; plus strand). Cytogenetic location: 6p21.1.
Variant type: single nucleotide variant.
Coding change: c.595G>A on transcript NM_138572.3 (MANE Select); coding-DNA position 595, G replaced by A.
Protein change: p.Glu199Lys; replaces glutamic acid 199 with lysine.
Molecular consequence: missense variant. On other transcripts: intron variant (3).
Genome position (GRCh38, 1-based): chr6:42,066,417, G>A. VCF-style: chr6-42066417-G-A. GRCh37 (hg19) VCF-style: chr6-42034155-G-A.
Other names: c.595G>A, p.Glu199Lys (NM_001410906.1, NM_001410907.1, NM_001438580.1); c.489+8904G>A (NM_001438582.1, NM_001438057.1, NM_001438581.1); short protein forms E199K.
Identifiers: ClinVar variation 4592505 (VCV004592505.2).

ClinVar aggregate classification (germline): Uncertain significance. Review status: criteria provided, multiple submitters, no conflicts (2 of 4 stars). 2 submissions from 2 submitters: Uncertain significance (2). Last evaluated 2025-12-04.

gnomAD v4.1: 101 of 1,614,230 alleles (0.0063%); highest among the groups gnomAD compares: South Asian, 0.11%; no homozygotes.

Submissions (2):

Ambry Genetics
Classification: Uncertain significance. Last evaluated: 2025-12-04. Review status: criteria provided, single submitter. Criteria: Ambry Variant Classification Scheme 2023. Collection method: clinical testing. Allele origin: germline.

GeneDx
Classification: Uncertain significance. Last evaluated: 2025-07-16. Review status: criteria provided, single submitter. Criteria: GeneDx Variant Classification Process June 2021. Collection method: clinical testing. Allele origin: germline. Affected: yes.
Comment: In silico analysis supports that this missense variant has a deleterious effect on protein structure/function; In silico analysis suggests this variant may impact gene splicing. In the absence of RNA/functional studies, the actual effect of this sequence change is unknown.; Has not been previously published as pathogenic or benign to our knowledge